The following is an entry in ClinVar:

ClinVar aggregate classification (germline): Pathogenic/Likely pathogenic. Review status: criteria provided, multiple submitters, no conflicts (2 of 4 stars). 4 submissions from 4 submitters: Pathogenic (1); Likely pathogenic (3). Last evaluated 2025-10-02.

Conditions:
Hereditary cancer-predisposing syndrome. Also called: Tumor predisposition; Hereditary neoplastic syndrome; Neoplastic Syndromes, Hereditary; Hereditary Cancer Syndrome. Identifiers: Orphanet 140162, MedGen C0027672, MeSH D009386, MONDO:0015356.
Familial cancer of breast. Also called: BREAST CANCER, FAMILIAL; Hereditary breast cancer; hereditary breast carcinoma. Identifiers: Orphanet 227535, MedGen C0346153, MONDO:0016419, OMIM 114480. Disease mechanism: loss of function.
Fanconi anemia complementation group J. Also called: BRIP1-Related Fanconi Anemia. Identifiers: Orphanet 84, MedGen C1836860, MONDO:0012187, OMIM 609054.

Submissions (4):

Labcorp Genetics (formerly Invitae), Labcorp
Classification: Likely pathogenic for Familial cancer of breast; Fanconi anemia complementation group J. Last evaluated: 2025-10-02. Review status: criteria provided, single submitter. Criteria: Invitae Variant Classification Sherloc (09022015). Collection method: clinical testing. Allele origin: germline.
Comment: This sequence change affects a donor splice site in intron 6 of the BRIP1 gene. It is expected to disrupt RNA splicing. Variants that disrupt the donor or acceptor splice site typically lead to a loss of protein function (PMID: 16199547), and loss-of-function variants in BRIP1 are known to be pathogenic (PMID: 16116423, 17033622, 21964575). This variant is not present in population databases (gnomAD no frequency). Disruption of this splice site has been observed in individual(s) with breast and/or ovarian cancer (PMID: 26270727, 26681312, 28888541, 29368626, 30322717, 32091409). ClinVar contains an entry for this variant (Variation ID: 136152). Algorithms developed to predict the effect of sequence changes on RNA splicing suggest that this variant may disrupt the consensus splice site. In summary, the currently available evidence indicates that the variant is pathogenic, but additional data are needed to prove that conclusively. Therefore, this variant has been classified as Likely Pathogenic.

Ambry Genetics
Classification: Likely pathogenic for Hereditary cancer-predisposing syndrome. Last evaluated: 2025-07-10. Review status: criteria provided, single submitter. Criteria: Ambry Variant Classification Scheme 2023. Collection method: clinical testing. Allele origin: germline.
Comment: The c.627+1G>A intronic variant results from a G to A substitution one nucleotide after coding exon 5 of the BRIP1 gene. This alteration has been identified in multiple patients referred for evaluation due to personal and/or family history of ovarian cancer (Desmond A et al. JAMA Oncol, 2015 Oct;1:943-51; Susswein LR et al. Genet. Med., 2016 08;18:823-32; Lilyquist J et al. Gynecol. Oncol., 2017 11;147:375-380; Carter NJ et al. Gynecol. Oncol. 2018 12;151:481-488). This nucleotide position is well conserved in available vertebrate species. In silico splice site analysis predicts that this alteration will weaken the native splice donor site. RNA studies have demonstrated that this alteration results in abnormal splicing in the set of samples tested (Ambry internal data). This variant is considered to be rare based on population cohorts in the Genome Aggregation Database (gnomAD). Based on the majority of available evidence to date, this variant is likely to be pathogenic.

Color Diagnostics, LLC DBA Color Health
Classification: Likely pathogenic for Hereditary cancer-predisposing syndrome. Last evaluated: 2022-03-17. Review status: criteria provided, single submitter. Criteria: ACMG Guidelines, 2015. Collection method: clinical testing. Allele origin: germline.
Comment: This variant causes a G to A nucleotide substitution at the +1 position of intron 6 of the BRIP1 gene. Splice site prediction tools predict that this variant may have a significant impact on RNA splicing. To our knowledge, RNA studies have not been reported for this variant. This variant has been reported in individuals affected with ovarian cancer (PMID: 26681312, 28888541, 29368626, 30322717). This variant has not been identified in the general population by the Genome Aggregation Database (gnomAD). Loss of BRIP1 function is a known mechanism of disease. Based on the available evidence, this variant is classified as Likely Pathogenic.

GeneDx
Classification: Pathogenic. Last evaluated: 2014-07-28. Review status: criteria provided, single submitter. Criteria: GeneDx Variant Classification (06012015). Collection method: clinical testing. Allele origin: germline. Affected: yes.
Comment: This pathogenic variant is denoted BRIP1 c.627+1G>A or IVS6+1G>A and consists of a G>A nucleotide substitution at the +1 position of intron 6 of the BRIP1 gene. The variant destroys a canonical splice donor site and is predicted to cause abnormal gene splicing, leading to either an abnormal message that is subject to nonsense-mediated mRNA decay or to an abnormal protein product. BRIP1 c.627+1 G>A was not observed in approximately 6,500 individuals of European and African American ancestry in the NHLBI Exome Sequencing Project, indicating it is not a common benign variant in these populations. This variant has not, to our knowledge, been published in the literature. Based on the current evidence, we consider BRIP1 c.627+1G>A to be pathogenic. BRIP1 has been only recently described in association with cancer predisposition and the risks are not well understood. The presence of a BRIP1 mutation may confer an increased risk for female breast cancer and ovarian cancer based on currently available data (Seal 2006, Rafnar 2011, Pennington 2014). In one case-control study, truncating BRIP1 mutations were identified in 9 out of 1,212 individuals previously diagnosed with breast cancer, from BRCA-negative families, and in 2 out of 2,081 controls, suggesting an increased risk for breast cancer (OR = 2.0) (Seal 2006). Of note, BRIP1 missense variants found in this study were not associated with cancer risk. A specific frameshift variant found in an Icelandic cohort was associated with an increased risk for both ovarian and pancreatic cancer, while another frameshift variant, found in a Spanish cohort, conferred an increased risk for both breast and ovarian cancer in a study looking at sequence variants and their association with these cancer types (Rafnar 2011). Pennington et al. (2014) also identified a germline BRIP1 mutation in 4 out of 367 patients, unselected for family history, who had a personal history of ovarian cancer, peritoneal cancer or fallopian tube cancer. Of note, it has been hypothesized that BRIP1 may be a low penetrance allele as families with multiple cases of breast cancer, found to harbor a BRIP1 mutation, have shown incomplete segregation with disease (Seal 2006).Fanconi Anemia (FA) is a rare autosomal recessive condition that can be caused by two mutations (one in each copy of the gene) mutations in the BRIP1 gene (Seal 2006). This condition is characterized physical abnormalities, bone marrow failure, an increased risk for malignancy in children including leukemia and certain solid tumors. The Fanconi Anemia phenotype due to BRIP1 mutations is thought to result in a lower rate of childhood solid tumors compared to the phenotype due to two BRCA2 variants (Apostolou 2013). If a BRIP1 mutation carrier'spartner also carries a BRIP1mutation, the risk to have a child with FA is 25% with each pregnancy.

Literature cited by the submitters: PubMed 16199547 (cited by Labcorp Genetics (formerly Invitae), Labcorp); PubMed 16116423 (cited by Labcorp Genetics (formerly Invitae), Labcorp and Ambry Genetics); PubMed 17033622 (cited by Labcorp Genetics (formerly Invitae), Labcorp and Ambry Genetics); PubMed 21964575 (cited by Labcorp Genetics (formerly Invitae), Labcorp and Ambry Genetics); PubMed 26270727 (cited by Labcorp Genetics (formerly Invitae), Labcorp and Ambry Genetics); PubMed 26681312 (cited by 3 submitters); PubMed 28888541 (cited by 3 submitters); PubMed 29368626 (cited by Labcorp Genetics (formerly Invitae), Labcorp and Color Diagnostics, LLC DBA Color Health); PubMed 30322717 (cited by 3 submitters); PubMed 32091409 (cited by Labcorp Genetics (formerly Invitae), Labcorp and Ambry Genetics).

NM_032043.3(BRIP1):c.627+1G>A

Gene: BRIP1 (BRCA1 interacting DNA helicase 1; minus strand). Cytogenetic location: 17q23.2.
Variant type: single nucleotide variant.
Coding change: c.627+1G>A on transcript NM_032043.3 (MANE Select); the canonical splice donor site of the intron after coding-DNA position 627, G replaced by A.
Molecular consequence: splice donor variant.
Genome position (GRCh38, 1-based): chr17:61,847,100, C>T on the plus strand (G>A on the coding strand, the complement: BRIP1 is on the minus strand). VCF-style: chr17-61847100-C-T. GRCh37 (hg19) VCF-style: chr17-59924461-C-T.
Identifiers: ClinVar variation 136152 (VCV000136152.18), dbSNP rs587780833, ClinGen allele CA298834.